The following is an entry in ClinVar:

ClinVar aggregate classification (germline): Uncertain significance. Review status: criteria provided, multiple submitters, no conflicts (2 of 4 stars). 2 submissions from 2 submitters: Uncertain significance (2). Last evaluated 2024-02-17.

Conditions:
Emery-Dreifuss muscular dystrophy 5, autosomal dominant (EDMD5). Also called: EMERY-DREIFUSS MUSCULAR DYSTROPHY 5. Identifiers: Orphanet 261, MedGen C2751805, MONDO:0013072, OMIM 612999.

Allele frequency attached by ClinVar (database versions not stated): gnomAD 0.00001; ExAC 0.00002.
gnomAD v4.1: 20 of 1,613,766 alleles (0.0012%); highest among the groups gnomAD compares: Non-Finnish European, 0.0016%; no homozygotes.

Submissions (2):

Labcorp Genetics (formerly Invitae), Labcorp
Classification: Uncertain significance for Emery-Dreifuss muscular dystrophy 5, autosomal dominant. Last evaluated: 2024-02-17. Review status: criteria provided, single submitter. Criteria: Invitae Variant Classification Sherloc (09022015). Collection method: clinical testing. Allele origin: germline.
Comment: This sequence change replaces serine, which is neutral and polar, with phenylalanine, which is neutral and non-polar, at codon 1697 of the SYNE2 protein (p.Ser1697Phe). This variant is present in population databases (rs768393141, gnomAD 0.005%). This variant has not been reported in the literature in individuals affected with SYNE2-related conditions. Algorithms developed to predict the effect of missense changes on protein structure and function output the following: SIFT: "Not Available"; PolyPhen-2: "Benign"; Align-GVGD: "Not Available". The phenylalanine amino acid residue is found in multiple mammalian species, which suggests that this missense change does not adversely affect protein function. In summary, the available evidence is currently insufficient to determine the role of this variant in disease. Therefore, it has been classified as a Variant of Uncertain Significance.

Ambry Genetics
Classification: Uncertain significance. Last evaluated: 2024-01-03. Review status: criteria provided, single submitter. Criteria: Ambry Variant Classification Scheme 2023. Collection method: clinical testing. Allele origin: germline.

NM_182914.3(SYNE2):c.5090C>T (p.Ser1697Phe)

Gene: SYNE2 (spectrin repeat containing nuclear envelope protein 2; plus strand). Cytogenetic location: 14q23.2.
Variant type: single nucleotide variant.
Coding change: c.5090C>T on transcript NM_182914.3 (MANE Select); coding-DNA position 5090, C replaced by T.
Protein change: p.Ser1697Phe; replaces serine 1697 with phenylalanine.
Molecular consequence: missense variant.
Genome position (GRCh38, 1-based): chr14:64,020,032, C>T. VCF-style: chr14-64020032-C-T. GRCh37 (hg19) VCF-style: chr14-64486750-C-T.
Other names: c.5090C>T, p.Ser1697Phe (NM_015180.6); short protein forms S1697F.
Identifiers: ClinVar variation 3172713 (VCV003172713.3), dbSNP rs768393141, ClinGen allele CA7220397.